The following is an entry in ClinVar:

NM_000414.4(HSD17B4):c.420A>T (p.Lys140Asn)

Gene: HSD17B4 (hydroxysteroid 17-beta dehydrogenase 4; plus strand). Cytogenetic location: 5q23.1.
Variant type: single nucleotide variant.
Coding change: c.420A>T on transcript NM_000414.4 (MANE Select); coding-DNA position 420, A replaced by T.
Protein change: p.Lys140Asn; replaces lysine 140 with asparagine.
Molecular consequence: missense variant. On other transcripts: 5 prime UTR variant (1), non-coding transcript variant (2).
Genome position (GRCh38, 1-based): chr5:119,477,487, A>T. VCF-style: chr5-119477487-A-T. GRCh37 (hg19) VCF-style: chr5-118813182-A-T.
Other names: c.495A>T, p.Lys165Asn (NM_001199291.3); c.366A>T, p.Lys122Asn (NM_001199292.2); c.348A>T, p.Lys116Asn (NM_001292027.2); c.9A>T, p.Lys3Asn (NM_001292028.2, NM_001374501.1, NM_001374502.1 and 1 more transcripts); c.420A>T, p.Lys140Asn (NM_001374497.1, NM_001374498.1); c.93A>T, p.Lys31Asn (NM_001374499.1); c.-119A>T (NM_001374500.1); short protein forms K140N, K165N, K122N, K116N, K3N, K31N.
Identifiers: ClinVar variation 226672 (VCV000226672.32), dbSNP rs28943589, ClinGen allele CA3381825.

ClinVar aggregate classification (germline): Benign. Review status: criteria provided, multiple submitters, no conflicts (2 of 4 stars). 11 submissions from 10 submitters: Benign (10). 1 of the submissions does not count toward it. Last evaluated 2026-02-02.

Conditions:
Bifunctional peroxisomal enzyme deficiency (DBIF). Also called: PBFE DEFICIENCY; D-bifunctional protein deficiency; DBP DEFICIENCY. Identifiers: Orphanet 300, MedGen C0342870, MONDO:0009855, OMIM 261515. Disease mechanism: loss of function.
Perrault syndrome. Also called: Gonadal dysgenesis with auditory dysfunction, autosomal recessive inheritance. Identifiers: Orphanet 2855, MedGen C0685838, MONDO:0017312.
Perrault syndrome 1 (PRLTS1). Also called: GONADAL DYSGENESIS, XX TYPE, WITH DEAFNESS; OVARIAN DYSGENESIS WITH SENSORINEURAL DEAFNESS. Identifiers: Orphanet 2855, Orphanet 642945, MedGen C4551721, MONDO:0009300, OMIM 233400.

Allele frequency attached by ClinVar (database versions not stated): ExAC 0.00720; 1000 Genomes Project 0.02436; 1000 Genomes Project 30x 0.02436; TOPMed 0.02244; gnomAD exomes 0.00599; gnomAD 0.02134 and 0.02002; ESP Exome Variant Server 0.02169.
gnomAD v4.1: 7,378 of 1,612,142 alleles (0.46%); highest among the groups gnomAD compares: African/African-American, 6.7%; 180 homozygotes.

Submissions (11):

Labcorp Genetics (formerly Invitae), Labcorp
Classification: Benign for Perrault syndrome; Bifunctional peroxisomal enzyme deficiency. Last evaluated: 2026-02-02. Review status: criteria provided, single submitter. Criteria: Invitae Variant Classification Sherloc (09022015). Collection method: clinical testing. Allele origin: germline.

ARUP Laboratories, Molecular Genetics and Genomics, ARUP Laboratories
Classification: Benign. Last evaluated: 2023-11-29. Review status: criteria provided, single submitter. Criteria: ARUP Molecular Germline Variant Investigation Process 2024. Collection method: clinical testing. Allele origin: germline.

Women's Health and Genetics/Laboratory Corporation of America, LabCorp
Classification: Benign. Last evaluated: 2021-03-15. Review status: criteria provided, single submitter. Criteria: LabCorp Variant Classification Summary - May 2015. Collection method: clinical testing. Allele origin: germline.
Comment: Variant summary: HSD17B4 c.420A>T (p.Lys140Asn) results in a non-conservative amino acid change in the encoded protein sequence. Four of five in-silico tools predict a benign effect of the variant on protein function. The variant allele was found at a frequency of 0.006 in 251368 control chromosomes in the gnomAD database, including 46 homozygotes. The observed variant frequency is approximately 2.0 fold of the estimated maximal expected allele frequency for a pathogenic variant in HSD17B4 causing D-Bifunctional Protein Deficiency phenotype (0.003), strongly suggesting that the variant is benign. To our knowledge, no occurrence of c.420A>T in individuals affected with D-Bifunctional Protein Deficiency and no experimental evidence demonstrating its impact on protein function have been reported. Six clinical diagnostic laboratories have submitted clinical-significance assessments for this variant to ClinVar after 2014 without evidence for independent evaluation. All laboratories classified the variant as benign. Based on the evidence outlined above, the variant was classified as benign.

Athena Diagnostics
Classification: Benign. Last evaluated: 2018-05-24. Review status: criteria provided, single submitter. Criteria: Athena Diagnostics Criteria. Collection method: clinical testing. Allele origin: germline.

Illumina Laboratory Services, Illumina
Classification: Benign for Bifunctional peroxisomal enzyme deficiency. Last evaluated: 2018-01-13. Review status: criteria provided, single submitter. Criteria: ICSL Variant Classification Criteria 13 December 2019. Collection method: clinical testing. Allele origin: germline.
Comment: This variant was observed in the ICSL laboratory as part of a predisposition screen in an ostensibly healthy population. It had not been previously curated by ICSL or reported in the Human Gene Mutation Database (HGMD: prior to June 1st, 2018), and was therefore a candidate for classification through an automated scoring system. Utilizing variant allele frequency, disease prevalence and penetrance estimates, and inheritance mode, an automated score was calculated to assess if this variant is too frequent to cause the disease. Based on the score and internal cut-off values, a variant classified as benign is not then subjected to further curation. The score for this variant resulted in a classification of benign for this disease.

Illumina Laboratory Services, Illumina
Classification: Benign for Perrault syndrome 1. Last evaluated: 2018-01-13. Review status: criteria provided, single submitter. Criteria: ICSL Variant Classification Criteria 13 December 2019. Collection method: clinical testing. Allele origin: germline.
Comment: the same text as in the submission from Illumina Laboratory Services, Illumina above.

GeneDx
Classification: Benign. Last evaluated: 2017-09-18. Review status: criteria provided, single submitter. Criteria: GeneDx Variant Classification (06012015). Collection method: clinical testing. Allele origin: germline. Affected: yes.
Comment: This variant is considered likely benign or benign based on one or more of the following criteria: it is a conservative change, it occurs at a poorly conserved position in the protein, it is predicted to be benign by multiple in silico algorithms, and/or has population frequency not consistent with disease.

Mayo Clinic Laboratories, Mayo Clinic
Classification: Benign. Last evaluated: 2015-12-16. Review status: criteria provided, single submitter. Criteria: ACMG Guidelines, 2015. Collection method: clinical testing. Allele origin: germline. Observed: 17 variant alleles.

Laboratory for Molecular Medicine, Mass General Brigham Personalized Medicine
Classification: Benign. Last evaluated: 2014-11-24. Review status: criteria provided, single submitter. Criteria: LMM Criteria. Collection method: clinical testing. Allele origin: germline. Observed: 17 variant alleles.
Comment: Lys165Asn in exon 8 of HSD17B4: This variant is not expected to have clinical si gnificance because it has been identified in 6.1% (268/4404) of African American chromosomes from a broad population by the NHLBI Exome Sequencing Project (dbSNP rs28943589).

PreventionGenetics, part of Exact Sciences
Classification: Benign. Review status: criteria provided, single submitter. Criteria: ACMG Guidelines, 2015. Collection method: clinical testing. Allele origin: germline.

Natera, Inc.
Classification: Benign for Bifunctional peroxisomal enzyme deficiency. Last evaluated: 2020-09-16. Review status: no assertion criteria provided. Collection method: clinical testing. Allele origin: germline. Not counted in ClinVar's aggregate classification.